The following is an entry in ClinVar:

NM_000169.3(GLA):c.124_125del (p.Met42fs)

Genes: GLA (galactosidase alpha; minus strand), RPL36A-HNRNPH2 (RPL36A-HNRNPH2 readthrough; plus strand). Cytogenetic location: Xq22.1.
Variant type: Deletion.
Coding change: c.124_125del on transcript NM_000169.3 (MANE Select); coding-DNA positions 124 to 125, 2 bases deleted (AT; older notation c.124_125delAT).
Protein change: p.Met42fs; shifts the reading frame from methionine 42.
Molecular consequence: frameshift variant. On other transcripts: non-coding transcript variant (3), intron variant (2).
Genome position (GRCh38, 1-based): chrX:101,407,779-101,407,780, AT deleted on the plus strand (AT on the coding strand, the reverse complement: GLA is on the minus strand). VCF-style (leftmost placement, unchanged base first): chrX-101407778-CAT-C. GRCh37 (hg19) VCF-style: chrX-100662766-CAT-C.
Other names: c.124_125del, p.Met42fs (NM_001406747.1, NM_001406748.1, NM_001406749.1); c.301-4157_301-4156del (NM_001199973.2); c.178-4157_178-4156del (NM_001199974.2); short protein forms M42fs.
Identifiers: ClinVar variation 4087258 (VCV004087258.2).

ClinVar aggregate classification (germline): Pathogenic (1 of 4 stars; one submission).

Conditions:
Fabry disease. Also called: ALPHA-GALACTOSIDASE A DEFICIENCY; ANDERSON-FABRY DISEASE; CERAMIDE TRIHEXOSIDASE DEFICIENCY; GLA DEFICIENCY; HEREDITARY DYSTOPIC LIPIDOSIS; Angiokeratoma corporis diffusum. Identifiers: Orphanet 324, MedGen C0002986, MONDO:0010526, OMIM 301500, HP:0001071. Disease mechanism: Fabry disease is due to inactivating mutations in the X-linked GLA gene resulting in deficiency of the enzyme Alpha Galactosidase-A., loss of function.

Submission:

Genomenon, Inc
Classification: Pathogenic for Fabry disease. Last evaluated: 2026-09-08. Review status: criteria provided, single submitter. Criteria: Genomenon Sequence Variant Interpretation Standards - Updated. Collection method: curation. Allele origin: germline. Affected: yes.
Comment: GLA p.Met42GlyfsTer13 (c.124_125del) is a frameshift variant that is predicted to introduce a premature termination codon and result in a truncated or absent protein product. This variant has been observed in at least one proband with clinical features consistent with Fabry disease (PMID:11322659;33844184;18445046;31292888;33915609;14505049). The variant was found to segregate with disease in at least one affected family (PMID:14505049). Functional or patient cell studies have been reported (PMID:18445046;31292888;33915609). It is absent or not present at a significant frequency in gnomAD. In conclusion, we classify GLA p.Met42GlyfsTer13 (c.124_125del) as a pathogenic variant.

Literature cited by the submitters: PubMed 11322659; PubMed 33844184; PubMed 18445046; PubMed 31292888; PubMed 33915609; PubMed 14505049.